The following is an entry in ClinVar:

ClinVar aggregate classification (germline): Likely benign (1 of 4 stars; one submission).

Submission:

CeGaT Center for Human Genetics Tuebingen
Classification: Likely benign. Last evaluated: 2026-03-01. Review status: criteria provided, single submitter. Criteria: CeGaT Center For Human Genetics Tuebingen Variant Classification Criteria Version 2. Collection method: clinical testing. Allele origin: germline. Affected: yes. Observed: 1 variant allele.
Comment: NPTX1: BP4, BP7

NM_002522.4(NPTX1):c.819C>T (p.Tyr273=)

Gene: NPTX1 (neuronal pentraxin 1; minus strand). Cytogenetic location: 17q25.3.
Variant type: single nucleotide variant.
Coding change: c.819C>T on transcript NM_002522.4 (MANE Select); coding-DNA position 819, C replaced by T.
Protein change: p.Tyr273=; no amino-acid change (tyrosine 273 retained).
Molecular consequence: synonymous variant.
Genome position (GRCh38, 1-based): chr17:80,473,278, G>A on the plus strand (C>T on the coding strand, the complement: NPTX1 is on the minus strand). VCF-style: chr17-80473278-G-A. GRCh37 (hg19) VCF-style: chr17-78447078-G-A.
Identifiers: ClinVar variation 4821263 (VCV004821263.4).